The following is an entry in ClinVar:

ClinVar aggregate classification (germline): Uncertain significance. Review status: criteria provided, multiple submitters, no conflicts (2 of 4 stars). 4 submissions from 4 submitters: Uncertain significance (4). Last evaluated 2026-03-05.

Conditions:
NR2E3-related disorder. Also called: NR2E3-related disorders; NR2E3-related condition. Identifiers: MedGen CN239387.
Inborn genetic diseases. Identifiers: MedGen C0950123, MeSH D030342.

Allele frequency attached by ClinVar (database versions not stated): ExAC below 0.00001; gnomAD exomes 0.00001 and 0.00002; gnomAD 0.00015 and 0.00016; TOPMed 0.00015.
gnomAD v4.1: 38 of 1,563,178 alleles (0.0024%); highest among the groups gnomAD compares: African/African-American, 0.048%; no homozygotes.

Submissions (4):

PreventionGenetics, part of Exact Sciences
Classification: Uncertain significance for NR2E3-related condition. Last evaluated: 2026-03-05. Review status: criteria provided, single submitter. Criteria: ACMG Guidelines, 2015. Collection method: clinical testing. Allele origin: germline.
Comment: The NR2E3 c.529C>A variant is predicted to result in the amino acid substitution p.Leu177Ile. To our knowledge, this variant has not been reported in the literature. This variant is reported in 0.039% of alleles in individuals of African descent in gnomAD. At this time, the clinical significance of this variant is uncertain due to the absence of conclusive functional and genetic evidence.

Labcorp Genetics (formerly Invitae), Labcorp
Classification: Uncertain significance. Last evaluated: 2024-12-15. Review status: criteria provided, single submitter. Criteria: Invitae Variant Classification Sherloc (09022015). Collection method: clinical testing. Allele origin: germline.
Comment: This sequence change replaces leucine, which is neutral and non-polar, with isoleucine, which is neutral and non-polar, at codon 177 of the NR2E3 protein (p.Leu177Ile). The frequency data for this variant in the population databases is considered unreliable, as metrics indicate poor data quality at this position in the gnomAD database. This missense change has been observed in individual(s) with retinitis pigmentosa (internal data). ClinVar contains an entry for this variant (Variation ID: 1035162). Invitae Evidence Modeling of protein sequence and biophysical properties (such as structural, functional, and spatial information, amino acid conservation, physicochemical variation, residue mobility, and thermodynamic stability) indicates that this missense variant is not expected to disrupt NR2E3 protein function with a negative predictive value of 80%. In summary, the available evidence is currently insufficient to determine the role of this variant in disease. Therefore, it has been classified as a Variant of Uncertain Significance.

Blueprint Genetics
Classification: Uncertain significance. Last evaluated: 2023-03-09. Review status: criteria provided, single submitter. Criteria: ACMG Guidelines, 2015. Collection method: clinical testing. Allele origin: germline.

Ambry Genetics
Classification: Uncertain significance for Inborn genetic diseases. Last evaluated: 2022-01-27. Review status: criteria provided, single submitter. Criteria: Ambry Variant Classification Scheme 2023. Collection method: clinical testing. Allele origin: germline.

NM_014249.4(NR2E3):c.529C>A (p.Leu177Ile)

Gene: NR2E3 (nuclear receptor subfamily 2 group E member 3; plus strand). Cytogenetic location: 15q23.
Variant type: single nucleotide variant.
Coding change: c.529C>A on transcript NM_014249.4 (MANE Select); coding-DNA position 529, C replaced by A.
Protein change: p.Leu177Ile; replaces leucine 177 with isoleucine.
Molecular consequence: missense variant.
Genome position (GRCh38, 1-based): chr15:71,812,134, C>A. VCF-style: chr15-71812134-C-A. GRCh37 (hg19) VCF-style: chr15-72104474-C-A.
Other names: c.529C>A, p.Leu177Ile (NM_016346.4); c.529C>A (NM_014249.3, NM_014249.2); short protein forms L177I.
Identifiers: ClinVar variation 1035162 (VCV001035162.7), dbSNP rs760968362, ClinGen allele CA7640326.